The following is an entry in ClinVar:

ClinVar aggregate classification (germline): Benign/Likely benign. Review status: criteria provided, multiple submitters, no conflicts (2 of 4 stars). 3 submissions from 3 submitters: Benign (1); Likely benign (2). Last evaluated 2025-12-17.

Conditions:
Prostate cancer, hereditary, 9 (HPC9). Identifiers: Orphanet 1331, MedGen C1970250, MONDO:0012597, OMIM 610997.
Hereditary cancer-predisposing syndrome. Also called: Hereditary Cancer Syndrome; Hereditary neoplastic syndrome; Tumor predisposition; Neoplastic Syndromes, Hereditary. Identifiers: Orphanet 140162, MedGen C0027672, MeSH D009386, MONDO:0015356.

Submissions (3):

Labcorp Genetics (formerly Invitae), Labcorp
Classification: Likely benign. Last evaluated: 2025-12-17. Review status: criteria provided, single submitter. Criteria: Invitae Variant Classification Sherloc (09022015). Collection method: clinical testing. Allele origin: germline.

Myriad Genetics, Inc.
Classification: Benign for Prostate cancer, hereditary, 9. Last evaluated: 2024-10-29. Review status: criteria provided, single submitter. Criteria: Myriad Autosomal Dominant, Autosomal Recessive and X-Linked Classification Criteria (2023). Collection method: clinical testing. Allele origin: unknown.
Comment: This variant is considered benign. This variant is a silent/synonymous amino acid change and it is not expected to impact splicing.

Ambry Genetics
Classification: Likely benign for Hereditary cancer-predisposing syndrome. Last evaluated: 2024-08-19. Review status: criteria provided, single submitter. Criteria: Ambry Variant Classification Scheme 2023. Collection method: clinical testing. Allele origin: germline.

NM_006361.6(HOXB13):c.351G>A (p.Gly117=)

Gene: HOXB13 (homeobox B13; minus strand). Cytogenetic location: 17q21.32.
Variant type: single nucleotide variant.
Coding change: c.351G>A on transcript NM_006361.6 (MANE Select); coding-DNA position 351, G replaced by A.
Protein change: p.Gly117=; no amino-acid change (glycine 117 retained).
Molecular consequence: synonymous variant.
Genome position (GRCh38, 1-based): chr17:48,728,243, C>T on the plus strand (G>A on the coding strand, the complement: HOXB13 is on the minus strand). VCF-style: chr17-48728243-C-T. GRCh37 (hg19) VCF-style: chr17-46805605-C-T.
Other names: c.351G>A (NM_006361.5).
Identifiers: ClinVar variation 1081398 (VCV001081398.12), dbSNP rs1597934408, ClinGen allele CA500661862.
Genomic context (GRCh38, chr17:48,728,243, plus strand): 5'-GTAGGTTCCCGGATATCCCGGATAGAAGGCAAACTCAGTGGGGCGGCTGGGGTACTCTTC[C>T]CCGGCCGTGGGAGTCTCCGCGGGGTACGCGGCCAGGGTGGCTGCCTGGGCACAGGGTTTC-3'
Protein context (NP_006352.2, residues 107-127): AAYPAETPTA[Gly117=]EEYPSRPTEF